The following is an entry in ClinVar:

ClinVar aggregate classification (germline): Uncertain significance. Review status: criteria provided, multiple submitters, no conflicts (2 of 4 stars). 3 submissions from 3 submitters: Uncertain significance (3). Last evaluated 2024-08-12.

Conditions:
Inborn genetic diseases. Identifiers: MedGen C0950123, MeSH D030342.

Allele frequency attached by ClinVar (database versions not stated): TOPMed 0.00003; gnomAD 0.00004; gnomAD exomes 0.00005.
gnomAD v4.1: 36 of 1,614,102 alleles (0.0022%); highest among the groups gnomAD compares: Non-Finnish European, 0.0029%; no homozygotes.

Submissions (3):

Mayo Clinic Laboratories, Mayo Clinic
Classification: Uncertain significance. Last evaluated: 2024-08-12. Review status: criteria provided, single submitter. Criteria: ACMG Guidelines, 2015. Collection method: clinical testing. Allele origin: germline. Observed: 1 variant allele.
Comment: BP4

Labcorp Genetics (formerly Invitae), Labcorp
Classification: Uncertain significance. Last evaluated: 2022-06-30. Review status: criteria provided, single submitter. Criteria: Invitae Variant Classification Sherloc (09022015). Collection method: clinical testing. Allele origin: germline.
Comment: This sequence change replaces isoleucine, which is neutral and non-polar, with leucine, which is neutral and non-polar, at codon 1773 of the VPS13D protein (p.Ile1773Leu). This variant is present in population databases (no rsID available, gnomAD 0.006%). This variant has not been reported in the literature in individuals affected with VPS13D-related conditions. Algorithms developed to predict the effect of missense changes on protein structure and function (SIFT, PolyPhen-2, Align-GVGD) all suggest that this variant is likely to be tolerated. In summary, the available evidence is currently insufficient to determine the role of this variant in disease. Therefore, it has been classified as a Variant of Uncertain Significance.

Ambry Genetics
Classification: Uncertain significance for Inborn genetic diseases. Last evaluated: 2021-10-20. Review status: criteria provided, single submitter. Criteria: Ambry Variant Classification Scheme 2023. Collection method: clinical testing. Allele origin: germline.

NM_015378.4(VPS13D):c.5317A>T (p.Ile1773Leu)

Gene: VPS13D (vacuolar protein sorting 13 homolog D; plus strand). Cytogenetic location: 1p36.22.
Variant type: single nucleotide variant.
Coding change: c.5317A>T on transcript NM_015378.4 (MANE Select); coding-DNA position 5317, A replaced by T.
Protein change: p.Ile1773Leu; replaces isoleucine 1773 with leucine.
Molecular consequence: missense variant.
Genome position (GRCh38, 1-based): chr1:12,283,419, A>T. VCF-style: chr1-12283419-A-T. GRCh37 (hg19) VCF-style: chr1-12343476-A-T.
Other names: p.Ile1773Leu; c.5317A>T, p.Ile1773Leu (NM_018156.4); short protein forms I1773L.
Identifiers: ClinVar variation 2055658 (VCV002055658.3), dbSNP rs989470584, ClinGen allele CA18047582.